The following is an entry in ClinVar:

ClinVar aggregate classification (germline): Uncertain significance (1 of 4 stars; one submission).

Conditions:
Familial hemiplegic migraine. Identifiers: MedGen C0338484, MONDO:0000700.

Submission:

Labcorp Genetics (formerly Invitae), Labcorp
Classification: Uncertain significance for Familial hemiplegic migraine. Last evaluated: 2023-09-03. Review status: criteria provided, single submitter. Criteria: Invitae Variant Classification Sherloc (09022015). Collection method: clinical testing. Allele origin: germline.
Comment: This sequence change replaces threonine, which is neutral and polar, with isoleucine, which is neutral and non-polar, at codon 803 of the ATP1A2 protein (p.Thr803Ile). This variant is not present in population databases (gnomAD no frequency). This variant has not been reported in the literature in individuals affected with ATP1A2-related conditions. Advanced modeling of protein sequence and biophysical properties (such as structural, functional, and spatial information, amino acid conservation, physicochemical variation, residue mobility, and thermodynamic stability) performed at Invitae indicates that this missense variant is expected to disrupt ATP1A2 protein function. In summary, the available evidence is currently insufficient to determine the role of this variant in disease. Therefore, it has been classified as a Variant of Uncertain Significance.

NM_000702.4(ATP1A2):c.2408C>T (p.Thr803Ile)

Gene: ATP1A2 (ATPase Na+/K+ transporting subunit alpha 2; plus strand). Cytogenetic location: 1q23.2.
Variant type: single nucleotide variant.
Coding change: c.2408C>T on transcript NM_000702.4 (MANE Select); coding-DNA position 2408, C replaced by T.
Protein change: p.Thr803Ile; replaces threonine 803 with isoleucine.
Molecular consequence: missense variant.
Genome position (GRCh38, 1-based): chr1:160,135,962, C>T. VCF-style: chr1-160135962-C-T. GRCh37 (hg19) VCF-style: chr1-160105752-C-T.
Other names: short protein forms T803I.
Identifiers: ClinVar variation 2757472 (VCV002757472.3), dbSNP rs2524888656, ClinGen allele CA343250759.
Genomic context (GRCh38, chr1:160,135,962, plus strand): 5'-AGATCACCCCCTTCCTGCTGTTCATCATTGCCAACATCCCCCTACCTCTGGGCACTGTGA[C>T]CATCCTTTGCATTGACCTGGGCACAGATATGGTGAGCGCAGGAGGTGGAGGAGGGGACAG-3'
Protein context (NP_000693.1, residues 793-813): ANIPLPLGTV[Thr803Ile]ILCIDLGTDM